The following is an entry in ClinVar:

NM_000038.6(APC):c.7932_7933delinsA (p.Tyr2645fs)

Gene: APC (APC regulator of Wnt signaling pathway; plus strand). Cytogenetic location: 5q22.2.
Variant type: Indel.
Coding change: c.7932_7933delinsA on transcript NM_000038.6 (MANE Select); coding-DNA positions 7932 to 7933, TT replaced by A.
Protein change: p.Tyr2645fs; shifts the reading frame from tyrosine 2645.
Molecular consequence: frameshift variant. On other transcripts: non-coding transcript variant (2).
Genome position (GRCh38, 1-based): chr5:112,843,526-112,843,527, TT replaced by A. VCF-style: chr5-112843526-TT-A. GRCh37 (hg19) VCF-style: chr5-112179223-TT-A.
Other names: c.7932_7933delinsA (NM_000038.5); c.7932_7933delinsA, p.Tyr2645fs (NM_001127510.3, NM_001354895.2, NM_001407450.1); c.7878_7879delinsA, p.Tyr2627fs (NM_001127511.3); c.7986_7987delinsA, p.Tyr2663fs (NM_001354896.2, NM_001407447.1, NM_001407448.1 and 1 more transcripts); c.7962_7963delinsA, p.Tyr2655fs (NM_001354897.2); c.7857_7858delinsA, p.Tyr2620fs (NM_001354898.2); c.7848_7849delinsA, p.Tyr2617fs (NM_001354899.2); c.7809_7810delinsA, p.Tyr2604fs (NM_001354900.2); and 12 more; short protein forms Y2261fs, Y2362fs, Y2485fs, Y2516fs, Y2519fs, Y2544fs, Y2554fs, Y2562fs.
Identifiers: ClinVar variation 2583972 (VCV002583972.2), dbSNP rs2533830769, ClinGen allele CA2582341637.

ClinVar aggregate classification (germline): Pathogenic. Review status: criteria provided, multiple submitters, no conflicts (2 of 4 stars). 2 submissions from 2 submitters: Pathogenic (2). Last evaluated 2025-01-29.

Conditions:
Familial adenomatous polyposis 1 (FAP1). Also called: FAMILIAL ADENOMATOUS POLYPOSIS 1, ATTENUATED; POLYPOSIS, ADENOMATOUS INTESTINAL. Identifiers: MedGen C2713442, MONDO:0021056, OMIM 175100. Disease mechanism: loss of function.

Submissions (2):

Quest Diagnostics Nichols Institute San Juan Capistrano
Classification: Pathogenic. Last evaluated: 2025-01-29. Review status: criteria provided, single submitter. Criteria: Quest Diagnostics criteria. Collection method: clinical testing. Allele origin: unknown.
Comment: The APC c.7932_7933delinsA (p.Tyr2645Ilefs*15) variant alters the translational reading frame of the APC mRNA and causes the premature termination of APC protein synthesis. This variant has been reported in the published literature in a family with attenuated familial adenomatous polyposis (AFAP) (PMID: 15179376 (2004)). This variant has not been reported in large, multi-ethnic general populations (Genome Aggregation Database). Based on the available information, this variant is classified as pathogenic.

Myriad Genetics, Inc.
Classification: Pathogenic for Familial adenomatous polyposis 1. Last evaluated: 2023-05-16. Review status: criteria provided, single submitter. Criteria: Myriad Autosomal Dominant, Autosomal Recessive and X-Linked Classification Criteria (2023). Collection method: clinical testing. Allele origin: unknown.
Comment: This variant is considered pathogenic. This variant creates a frameshift predicted to result in premature protein truncation.

Literature cited by the submitters: PubMed 15179376 (cited by Quest Diagnostics Nichols Institute San Juan Capistrano).